The following is an entry in ClinVar:

ClinVar aggregate classification (germline): Conflicting classifications of pathogenicity. Review status: criteria provided, conflicting classifications (1 of 4 stars). 8 submissions from 7 submitters: Uncertain significance (1); Benign (3); Likely benign (4). Last evaluated 2026-05-28.

Conditions:
SYNE1-related disorder. Also called: SYNE1-related disorders; SYNE1-related disease; SYNE1-related condition.
Inborn genetic diseases. Identifiers: MedGen C0950123, MeSH D030342.
Emery-Dreifuss muscular dystrophy 4, autosomal dominant (EDMD4). Also called: EMERY-DREIFUSS MUSCULAR DYSTROPHY 4 WITH VARIABLE FEATURES. Identifiers: Orphanet 261, MedGen C2751807, MONDO:0013071, OMIM 612998.
Autosomal recessive ataxia, Beauce type. Also called: SYNE1-Related Autosomal Recessive Cerebellar Ataxia; ATAXIA, RECESSIVE, OF BEAUCE; Spinocerebellar ataxia, autosomal recessive 8; SYNE1 Deficiency. Identifiers: Orphanet 88644, MedGen C1853116, MONDO:0012549, OMIM 610743.

Allele frequency attached by ClinVar (database versions not stated): gnomAD exomes 0.00021 and 0.00062; ExAC 0.00063; ESP Exome Variant Server 0.00208; gnomAD 0.00217; TOPMed 0.00229; 1000 Genomes Project 0.00240; 1000 Genomes Project 30x 0.00281.
gnomAD v4.1: 626 of 1,614,130 alleles (0.039%); highest among the groups gnomAD compares: African/African-American, 0.73%; 2 homozygotes.

Submissions (8):

PreventionGenetics, part of Exact Sciences
Classification: Benign for SYNE1-related condition. Last evaluated: 2026-05-28. Review status: criteria provided, single submitter. Criteria: ACMG Guidelines, 2015. Collection method: clinical testing. Allele origin: germline.
Comment: This variant is classified as benign based on ACMG/AMP sequence variant interpretation guidelines (Richards et al. 2015 PMID: 25741868, with internal and published modifications).

Labcorp Genetics (formerly Invitae), Labcorp
Classification: Likely benign for Emery-Dreifuss muscular dystrophy 4, autosomal dominant; Autosomal recessive ataxia, Beauce type. Last evaluated: 2026-01-27. Review status: criteria provided, single submitter. Criteria: Invitae Variant Classification Sherloc (09022015). Collection method: clinical testing. Allele origin: germline.

Ambry Genetics
Classification: Uncertain significance for Inborn genetic diseases. Last evaluated: 2021-11-12. Review status: criteria provided, single submitter. Criteria: Ambry Variant Classification Scheme 2023. Collection method: clinical testing. Allele origin: germline.

GeneDx
Classification: Likely benign. Last evaluated: 2021-03-12. Review status: criteria provided, single submitter. Criteria: GeneDx Variant Classification Process June 2021. Collection method: clinical testing. Allele origin: germline. Affected: yes.

Athena Diagnostics
Classification: Benign. Last evaluated: 2019-02-12. Review status: criteria provided, single submitter. Criteria: Athena Diagnostics Criteria. Collection method: clinical testing. Allele origin: germline.

Illumina Laboratory Services, Illumina
Classification: Benign for Emery-Dreifuss muscular dystrophy 4, autosomal dominant. Last evaluated: 2018-01-12. Review status: criteria provided, single submitter. Criteria: ICSL Variant Classification Criteria 13 December 2019. Collection method: clinical testing. Allele origin: germline.
Comment: This variant was observed in the ICSL laboratory as part of a predisposition screen in an ostensibly healthy population. It had not been previously curated by ICSL or reported in the Human Gene Mutation Database (HGMD: prior to June 1st, 2018), and was therefore a candidate for classification through an automated scoring system. Utilizing variant allele frequency, disease prevalence and penetrance estimates, and inheritance mode, an automated score was calculated to assess if this variant is too frequent to cause the disease. Based on the score and internal cut-off values, a variant classified as benign is not then subjected to further curation. The score for this variant resulted in a classification of benign for this disease.

Illumina Laboratory Services, Illumina
Classification: Likely benign for Autosomal recessive ataxia, Beauce type. Last evaluated: 2018-01-12. Review status: criteria provided, single submitter. Criteria: ICSL Variant Classification Criteria 13 December 2019. Collection method: clinical testing. Allele origin: germline.
Comment: This variant was observed in the ICSL laboratory as part of a predisposition screen in an ostensibly healthy population. It had not been previously curated by ICSL or reported in the Human Gene Mutation Database (HGMD: prior to June 1st, 2018), and was therefore a candidate for classification through an automated scoring system. Utilizing variant allele frequency, disease prevalence and penetrance estimates, and inheritance mode, an automated score was calculated to assess if this variant is too frequent to cause the disease. Based on the score and internal cut-off values, a variant classified as likely benign is not then subjected to further curation. The score for this variant resulted in a classification of likely benign for this disease.

Eurofins Ntd Llc (ga)
Classification: Likely benign. Last evaluated: 2015-08-27. Review status: criteria provided, single submitter. Criteria: EGL Classification Definitions 2015. Collection method: clinical testing. Allele origin: germline. Observed: 1 variant allele, 1 heterozygote.

NM_182961.4(SYNE1):c.8230C>A (p.Gln2744Lys)

Gene: SYNE1 (spectrin repeat containing nuclear envelope protein 1; minus strand). Cytogenetic location: 6q25.2.
Variant type: single nucleotide variant.
Coding change: c.8230C>A on transcript NM_182961.4 (MANE Select); coding-DNA position 8230, C replaced by A.
Protein change: p.Gln2744Lys; replaces glutamine 2744 with lysine.
Molecular consequence: missense variant.
Genome position (GRCh38, 1-based): chr6:152,387,329, G>T on the plus strand (C>A on the coding strand, the complement: SYNE1 is on the minus strand). VCF-style: chr6-152387329-G-T. GRCh37 (hg19) VCF-style: chr6-152708464-G-T.
Other names: c.8251C>A, p.Gln2751Lys (NM_033071.5); short protein forms Q2744K, Q2751K.
Identifiers: ClinVar variation 282722 (VCV000282722.25), dbSNP rs145195048, ClinGen allele CA4057588.